The following is an entry in ClinVar:

NM_006767.4(LZTR1):c.240T>G (p.Ile80Met)

Gene: LZTR1 (leucine zipper like post translational regulator 1; plus strand). Cytogenetic location: 22q11.21.
Variant type: single nucleotide variant.
Coding change: c.240T>G on transcript NM_006767.4 (MANE Select); coding-DNA position 240, T replaced by G.
Protein change: p.Ile80Met; replaces isoleucine 80 with methionine.
Molecular consequence: missense variant.
Genome position (GRCh38, 1-based): chr22:20,983,066, T>G. VCF-style: chr22-20983066-T-G. GRCh37 (hg19) VCF-style: chr22-21337355-T-G.
Other names: short protein forms I80M.
Identifiers: ClinVar variation 5023750 (VCV005023750.1).

ClinVar aggregate classification (germline): Uncertain significance (1 of 4 stars; one submission).

Conditions:
Cardiovascular phenotype. Identifiers: MedGen CN230736.
Hereditary cancer-predisposing syndrome. Also called: Neoplastic Syndromes, Hereditary; Tumor predisposition; Hereditary neoplastic syndrome; Hereditary Cancer Syndrome. Identifiers: Orphanet 140162, MedGen C0027672, MeSH D009386, MONDO:0015356.

gnomAD v4.1: 1 of 1,614,046 alleles (0.000062%); highest among the groups gnomAD compares: East Asian, 0.0022%; no homozygotes.

Submission:

Ambry Genetics
Classification: Uncertain significance for Cardiovascular phenotype; Hereditary cancer-predisposing syndrome. Last evaluated: 2026-06-20. Review status: criteria provided, single submitter. Criteria: Ambry Variant Classification Scheme 2023. Collection method: clinical testing. Allele origin: germline.
Comment: The p.I80M variant (also known as c.240T>G), located in coding exon 2 of the LZTR1 gene, results from a T to G substitution at nucleotide position 240. The isoleucine at codon 80 is replaced by methionine, an amino acid with highly similar properties. This amino acid position is conserved. In addition, this alteration is predicted to be tolerated by in silico analysis. Based on the available evidence, the clinical significance of this variant remains unclear.